The following is an entry in ClinVar:

ClinVar aggregate classification (germline): Benign/Likely benign. Review status: criteria provided, multiple submitters, no conflicts (2 of 4 stars). 11 submissions from 11 submitters: Benign (3); Likely benign (5). 3 of the submissions do not count toward it. Last evaluated 2026-01-09.

Conditions:
MYH11-related disorder. Also called: MYH11-related condition.
Familial thoracic aortic aneurysm and aortic dissection (TAAD). Also called: Thoracic aortic aneurysms and dissections. Identifiers: Orphanet 91387, MedGen C4707243, MONDO:0019625.
Aortic aneurysm, familial thoracic 4 (AAT4). Also called: AORTIC ANEURYSM/AORTIC DISSECTION AND PATENT DUCTUS ARTERIOSUS. Identifiers: MedGen C1851504, MONDO:0007568, OMIM 132900.

Allele frequency attached by ClinVar (database versions not stated): gnomAD 0.00048 and 0.00047; gnomAD exomes 0.00053 and 0.00063; ExAC 0.00063; TOPMed 0.00014; ESP Exome Variant Server 0.00015.
gnomAD v4.1: 835 of 1,613,970 alleles (0.052%); highest among the groups gnomAD compares: Non-Finnish European, 0.043%; no homozygotes.

Submissions (11):

Labcorp Genetics (formerly Invitae), Labcorp
Classification: Benign for Aortic aneurysm, familial thoracic 4. Last evaluated: 2026-01-09. Review status: criteria provided, single submitter. Criteria: Invitae Variant Classification Sherloc (09022015). Collection method: clinical testing. Allele origin: germline.

Blueprint Genetics
Classification: Likely benign. Last evaluated: 2024-11-06. Review status: criteria provided, single submitter. Criteria: ACMG Guidelines, 2015. Collection method: clinical testing. Allele origin: germline.

ARUP Laboratories, Molecular Genetics and Genomics, ARUP Laboratories
Classification: Likely benign. Last evaluated: 2023-10-26. Review status: criteria provided, single submitter. Criteria: ARUP Molecular Germline Variant Investigation Process 2024. Collection method: clinical testing. Allele origin: germline.

GeneDx
Classification: Likely benign. Last evaluated: 2020-01-15. Review status: criteria provided, single submitter. Criteria: GeneDx Variant Classification Process June 2021. Collection method: clinical testing. Allele origin: germline. Affected: yes.

CHEO Genetics Diagnostic Laboratory, Children's Hospital of Eastern Ontario
Classification: Benign for Familial thoracic aortic aneurysm and aortic dissection. Last evaluated: 2019-02-26. Review status: criteria provided, single submitter. Criteria: ACMG Guidelines, 2015. Collection method: clinical testing. Allele origin: germline.

Women's Health and Genetics/Laboratory Corporation of America, LabCorp
Classification: Benign. Last evaluated: 2018-12-11. Review status: criteria provided, single submitter. Criteria: LabCorp Variant Classification Summary - May 2015. Collection method: clinical testing. Allele origin: germline.
Comment: Variant summary: MYH11 c.3994C>G (p.Gln1332Glu) results in a conservative amino acid change located in the Myosin tail domain of the encoded protein sequence. Four of five in-silico tools predict a benign effect of the variant on protein function. The variant allele was found at a frequency of 0.00067 in 276842 control chromosomes, predominantly at a frequency of 0.005 within the Finnish subpopulation in the gnomAD database. The observed variant frequency within Finnish control individuals in the gnomAD database is approximately 4000 fold of the estimated maximal expected allele frequency for a pathogenic variant in MYH11 causing Aortopathy phenotype (1.3e-06), strongly suggesting that the variant is a benign polymorphism found primarily in populations of Finnish origin. To our knowledge, no occurrence of c.3994C>G in individuals affected with Aortopathy and no experimental evidence demonstrating its impact on protein function have been reported. Three ClinVar submissions from clinical diagnostic laboratories (evaluation after 2014) cite the variant twice as uncertain significance and once as benign. Based on the evidence outlined above, the variant was classified as benign.

Color Diagnostics, LLC DBA Color Health
Classification: Likely benign for Familial thoracic aortic aneurysm and aortic dissection. Last evaluated: 2018-11-30. Review status: criteria provided, single submitter. Criteria: ACMG Guidelines, 2015. Collection method: clinical testing. Allele origin: germline.

Ambry Genetics
Classification: Likely benign for Familial thoracic aortic aneurysm and aortic dissection. Last evaluated: 2018-10-26. Review status: criteria provided, single submitter. Criteria: Ambry Variant Classification Scheme 2023. Collection method: clinical testing. Allele origin: germline.

PreventionGenetics, part of Exact Sciences
Classification: Likely benign for MYH11-related condition. Last evaluated: 2020-09-28. Review status: no assertion criteria provided. Collection method: clinical testing. Allele origin: germline. Not counted in ClinVar's aggregate classification.
Comment: This variant is classified as likely benign based on ACMG/AMP sequence variant interpretation guidelines (Richards et al. 2015 PMID: 25741868, with internal and published modifications).

Clinical Genetics DNA and cytogenetics Diagnostics Lab, Erasmus MC, Erasmus Medical Center
Classification: Likely benign. Review status: no assertion criteria provided. Collection method: clinical testing. Allele origin: germline. Affected: yes. Study: VKGL Data-share Consensus. Not counted in ClinVar's aggregate classification.

Genome Diagnostics Laboratory, University Medical Center Utrecht
Classification: Likely benign. Review status: no assertion criteria provided. Collection method: clinical testing. Allele origin: germline. Affected: yes. Study: VKGL Data-share Consensus. Not counted in ClinVar's aggregate classification.

NM_002474.3(MYH11):c.3973C>G (p.Gln1325Glu)

Genes: MYH11 (myosin heavy chain 11; minus strand), NDE1 (nudE neurodevelopment protein 1; plus strand). Cytogenetic location: 16p13.11.
Variant type: single nucleotide variant.
Coding change: c.3973C>G on transcript NM_002474.3 (MANE Select); coding-DNA position 3973, C replaced by G.
Protein change: p.Gln1325Glu; replaces glutamine 1325 with glutamic acid.
Molecular consequence: missense variant. On other transcripts: 3 prime UTR variant (2).
Genome position (GRCh38, 1-based): chr16:15,724,790, G>C on the plus strand (C>G on the coding strand, the complement: MYH11 is on the minus strand). VCF-style: chr16-15724790-G-C. GRCh37 (hg19) VCF-style: chr16-15818647-G-C.
Other names: p.Q1325E:CAA>GAA; c.3994C>G, p.Gln1332Glu (NM_001040113.2, NM_001040114.2); c.3973C>G, p.Gln1325Glu (NM_022844.3); c.*539G>C (NM_001143979.2, NM_017668.3); short protein forms Q1325E, Q1332E.
Identifiers: ClinVar variation 201070 (VCV000201070.27), dbSNP rs150033906, ClinGen allele CA306552.
Genomic context (GRCh38, chr16:15,724,790, plus strand): 5'-GCTCCTCCTCCAGCTGGCGCAGCTTCGTAGACACGTTGAGCTTCTGCCGGGTTTCTTCTT[G>C]AAGCAGCTCCTGCAAAAGGGATGCAAAGAGGTCCCAGGGACCTGCCCCGAGGAAGGCCAC-3'
Protein context (NP_002465.1, residues 1315-1335): SQLQDTQELL[Gln1325Glu]EETRQKLNVS